The following is an entry in ClinVar:

NM_001005361.3(DNM2):c.1078G>A (p.Ala360Thr)

Gene: DNM2 (dynamin 2; plus strand). Cytogenetic location: 19p13.2.
Variant type: single nucleotide variant.
Coding change: c.1078G>A on transcript NM_001005361.3 (MANE Select); coding-DNA position 1078, G replaced by A.
Protein change: p.Ala360Thr; replaces alanine 360 with threonine.
Molecular consequence: missense variant.
Genome position (GRCh38, 1-based): chr19:10,793,805, G>A. VCF-style: chr19-10793805-G-A. GRCh37 (hg19) VCF-style: chr19-10904481-G-A.
Other names: c.1078G>A, p.Ala360Thr (NM_001005360.3, NM_001005362.3, NM_001190716.2 and 1 more transcripts); short protein forms A360T.
Identifiers: ClinVar variation 2881837 (VCV002881837.3), dbSNP rs2513224398, ClinGen allele CA404047988.
Genomic context (GRCh38, chr19:10,793,805, plus strand): 5'-TTTGAGAAGAGGATCGAGGGCTCAGGAGATCAGGTGGACACTCTGGAGCTCTCCGGGGGC[G>A]CCCGAATCAATCGCATCTTCCACGAGCGGTTCCCATTTGAGCTGGTGAAGGTAGTGCCCC-3'
Protein context (NP_001005361.1, residues 350-370): QVDTLELSGG[Ala360Thr]RINRIFHERF

ClinVar aggregate classification (germline): Uncertain significance (1 of 4 stars; one submission).

Conditions:
Charcot-Marie-Tooth disease dominant intermediate B (CMTDIB). Also called: CHARCOT-MARIE-TOOTH NEUROPATHY, DOMINANT INTERMEDIATE B; Charcot-Marie-Tooth disease dominant intermediate 1; CMT DI1; Charcot-Marie-Tooth disease dominant intermediate I. Identifiers: Orphanet 100044, Orphanet 228179, MedGen C1847902, MONDO:0011674, OMIM 606482.

Allele frequency attached by ClinVar (database versions not stated): gnomAD exomes below 0.00001.

Submission:

Labcorp Genetics (formerly Invitae), Labcorp
Classification: Uncertain significance for Charcot-Marie-Tooth disease dominant intermediate B. Last evaluated: 2025-11-03. Review status: criteria provided, single submitter. Criteria: Invitae Variant Classification Sherloc (09022015). Collection method: clinical testing. Allele origin: germline.
Comment: This sequence change replaces alanine, which is neutral and non-polar, with threonine, which is neutral and polar, at codon 360 of the DNM2 protein (p.Ala360Thr). This variant is not present in population databases (gnomAD no frequency). This variant has not been reported in the literature in individuals affected with DNM2-related conditions. ClinVar contains an entry for this variant (Variation ID: 2881837). Invitae Evidence Modeling of protein sequence and biophysical properties (such as structural, functional, and spatial information, amino acid conservation, physicochemical variation, residue mobility, and thermodynamic stability) has been performed for this missense variant. However, the output from this modeling did not meet the statistical confidence thresholds required to predict the impact of this variant on DNM2 protein function. In summary, the available evidence is currently insufficient to determine the role of this variant in disease. Therefore, it has been classified as a Variant of Uncertain Significance.